The following is an entry in ClinVar:

NM_001031679.3(MSRB3):c.293-6T>C

Gene: MSRB3 (methionine sulfoxide reductase B3; plus strand). Cytogenetic location: 12q14.3.
Variant type: single nucleotide variant.
Coding change: c.293-6T>C on transcript NM_001031679.3 (MANE Select); 6 bases into the intron before coding-DNA position 293, T replaced by C.
Molecular consequence: intron variant.
Genome position (GRCh38, 1-based): chr12:65,453,722, T>C. VCF-style: chr12-65453722-T-C. GRCh37 (hg19) VCF-style: chr12-65847502-T-C.
Other names: c.293-6T>C (NM_001193460.2, NM_001193461.2); c.314-6T>C (NM_198080.4).
Identifiers: ClinVar variation 44117 (VCV000044117.14), dbSNP rs75990461, ClinGen allele CA133614.

ClinVar aggregate classification (germline): Benign. Review status: criteria provided, multiple submitters, no conflicts (2 of 4 stars). 3 submissions from 3 submitters: Benign (3). Last evaluated 2026-01-19.

Allele frequency attached by ClinVar (database versions not stated): gnomAD exomes 0.00267 and 0.00733; ExAC 0.00904; gnomAD 0.02796 and 0.03006; 1000 Genomes Project 0.03035; TOPMed 0.03180; 1000 Genomes Project 30x 0.03201; ESP Exome Variant Server 0.03260.
gnomAD v4.1: 8,272 of 1,611,986 alleles (0.51%); highest among the groups gnomAD compares: African/African-American, 9.9%; 394 homozygotes.

Submissions (3):

Labcorp Genetics (formerly Invitae), Labcorp
Classification: Benign. Last evaluated: 2026-01-19. Review status: criteria provided, single submitter. Criteria: Invitae Variant Classification Sherloc (09022015). Collection method: clinical testing. Allele origin: germline.

GeneDx
Classification: Benign. Last evaluated: 2017-10-05. Review status: criteria provided, single submitter. Criteria: GeneDx Variant Classification (06012015). Collection method: clinical testing. Allele origin: germline. Affected: yes.
Comment: This variant is considered likely benign or benign based on one or more of the following criteria: it is a conservative change, it occurs at a poorly conserved position in the protein, it is predicted to be benign by multiple in silico algorithms, and/or has population frequency not consistent with disease.

Laboratory for Molecular Medicine, Mass General Brigham Personalized Medicine
Classification: Benign. Last evaluated: 2012-05-07. Review status: criteria provided, single submitter. Criteria: LMM Criteria. Collection method: clinical testing. Allele origin: germline. Observed: 30 variant alleles.
Comment: 293-6T>C in Intron 06 of MSRB3: This variant is not expected to have clinical si gnificance because it has been identified in 9.4% (353/3738) of African American chromosomes from a broad population by the NHLBI Exome Sequencing Project (dbSNP rs75990461).